The following is an entry in ClinVar:

ClinVar aggregate classification (germline): Uncertain significance. Review status: criteria provided, multiple submitters, no conflicts (2 of 4 stars). 2 submissions from 2 submitters: Uncertain significance (2). Last evaluated 2025-03-04.

Conditions:
Tuberous sclerosis 2 (TSC2). Identifiers: Orphanet 805, MedGen C1860707, MONDO:0013199, OMIM 613254.
Hereditary cancer-predisposing syndrome. Also called: Hereditary neoplastic syndrome; Tumor predisposition; Neoplastic Syndromes, Hereditary; Hereditary Cancer Syndrome. Identifiers: Orphanet 140162, MedGen C0027672, MeSH D009386, MONDO:0015356.

Submissions (2):

Ambry Genetics
Classification: Uncertain significance for Hereditary cancer-predisposing syndrome. Last evaluated: 2025-03-04. Review status: criteria provided, single submitter. Criteria: Ambry Variant Classification Scheme 2023. Collection method: clinical testing. Allele origin: germline.
Comment: The p.K1180T variant (also known as c.3539A>C), located in coding exon 29 of the TSC2 gene, results from an A to C substitution at nucleotide position 3539. The lysine at codon 1180 is replaced by threonine, an amino acid with similar properties. This amino acid position is not well conserved in available vertebrate species. In addition, the in silico prediction for this alteration is inconclusive. Based on the available evidence, the clinical significance of this variant remains unclear.

Labcorp Genetics (formerly Invitae), Labcorp
Classification: Uncertain significance for Tuberous sclerosis 2. Last evaluated: 2024-05-18. Review status: criteria provided, single submitter. Criteria: Invitae Variant Classification Sherloc (09022015). Collection method: clinical testing. Allele origin: germline.
Comment: This sequence change replaces lysine, which is basic and polar, with threonine, which is neutral and polar, at codon 1180 of the TSC2 protein (p.Lys1180Thr). This variant is not present in population databases (gnomAD no frequency). This variant has not been reported in the literature in individuals affected with TSC2-related conditions. ClinVar contains an entry for this variant (Variation ID: 2449962). Advanced modeling of protein sequence and biophysical properties (such as structural, functional, and spatial information, amino acid conservation, physicochemical variation, residue mobility, and thermodynamic stability) performed at Invitae indicates that this missense variant is not expected to disrupt TSC2 protein function with a negative predictive value of 95%. In summary, the available evidence is currently insufficient to determine the role of this variant in disease. Therefore, it has been classified as a Variant of Uncertain Significance.

NM_000548.5(TSC2):c.3539A>C (p.Lys1180Thr)

Gene: TSC2 (TSC complex subunit 2; plus strand). Cytogenetic location: 16p13.3.
Variant type: single nucleotide variant.
Coding change: c.3539A>C on transcript NM_000548.5 (MANE Select); coding-DNA position 3539, A replaced by C.
Protein change: p.Lys1180Thr; replaces lysine 1180 with threonine.
Molecular consequence: missense variant. On other transcripts: non-coding transcript variant (5).
Genome position (GRCh38, 1-based): chr16:2,080,306, A>C. VCF-style: chr16-2080306-A-C. GRCh37 (hg19) VCF-style: chr16-2130307-A-C.
Other names: c.3407A>C, p.Lys1136Thr (NM_001077183.3, NM_001370404.1, NM_001406665.1); c.3539A>C, p.Lys1180Thr (NM_001114382.3); c.3299A>C, p.Lys1100Thr (NM_001318827.2); c.3263A>C, p.Lys1088Thr (NM_001318829.2); c.2807A>C, p.Lys936Thr (NM_001318831.2, NM_001406687.1, NM_001406688.1); c.3440A>C, p.Lys1147Thr (NM_001318832.2); c.3410A>C, p.Lys1137Thr (NM_001363528.2, NM_001370405.1, NM_021055.3); c.3536A>C, p.Lys1179Thr (NM_001406663.1, NM_001406664.1); and 18 more; short protein forms K1087T, K1088T, K1136T, K1137T, K1166T, K1180T, K1099T, K1167T.
Identifiers: ClinVar variation 2449962 (VCV002449962.5), dbSNP rs2151460453, ClinGen allele CA394289454.